The following is an entry in ClinVar:

NM_005026.5(PIK3CD):c.1195G>A (p.Glu399Lys)

Genes: PIK3CD (phosphatidylinositol-4,5-bisphosphate 3-kinase catalytic subunit delta; plus strand), LOC126805612 (MED14-independent group 3 enhancer GRCh37_chr1:9778914-9780113; plus strand). Cytogenetic location: 1p36.22.
Variant type: single nucleotide variant.
Coding change: c.1195G>A on transcript NM_005026.5 (MANE Select); coding-DNA position 1195, G replaced by A.
Protein change: p.Glu399Lys; replaces glutamic acid 399 with lysine.
Molecular consequence: missense variant.
Genome position (GRCh38, 1-based): chr1:9,718,868, G>A. VCF-style: chr1-9718868-G-A. GRCh37 (hg19) VCF-style: chr1-9778926-G-A.
Other names: c.1195G>A, p.Glu399Lys (NM_001350234.2); c.1108G>A, p.Glu370Lys (NM_001350235.1); short protein forms E370K, E399K.
Identifiers: ClinVar variation 3234574 (VCV003234574.20), dbSNP rs765972601, ClinGen allele CA577111.

ClinVar aggregate classification (germline): Uncertain significance (1 of 4 stars; one submission).

Allele frequency attached by ClinVar (database versions not stated): TOPMed below 0.00001; ExAC 0.00001.

Submission:

CeGaT Center for Human Genetics Tuebingen
Classification: Uncertain significance. Last evaluated: 2025-10-01. Review status: criteria provided, single submitter. Criteria: CeGaT Center For Human Genetics Tuebingen Variant Classification Criteria Version 2. Collection method: clinical testing. Allele origin: germline. Affected: yes. Observed: 1 variant allele.
Comment: PIK3CD: PM2, PM6:Supporting